The following is an entry in ClinVar:

ClinVar aggregate classification (germline): Uncertain significance (1 of 4 stars; one submission).

Conditions:
Acyl-CoA oxidase deficiency. Also called: STRAIGHT-CHAIN ACYL-CoA OXIDASE DEFICIENCY; Pseudoneonatal adrenoleukodystrophy; Peroxisomal acyl-CoA oxidase deficiency. Identifiers: Orphanet 2971, MedGen C1849678, MONDO:0009919, OMIM 264470. Disease mechanism: loss of function.

Submission:

Labcorp Genetics (formerly Invitae), Labcorp
Classification: Uncertain significance for Acyl-CoA oxidase deficiency. Last evaluated: 2023-11-13. Review status: criteria provided, single submitter. Criteria: Invitae Variant Classification Sherloc (09022015). Collection method: clinical testing. Allele origin: unknown.
Comment: A copy number gain of the genomic region encompassing the full coding sequence of the ACOX1 gene has been identified. The boundaries of this event are unknown as they extend beyond the assayed region for this gene and therefore may encompass additional genes. As the precise location of this event is unknown, it may be in tandem or it may be located elsewhere in the genome. This variant has not been reported in the literature in individuals affected with ACOX1-related conditions. In summary, the available evidence is currently insufficient to determine the role of this variant in disease. Therefore, it has been classified as a Variant of Uncertain Significance.

NC_000017.10:g.(?_73720784)_(73975154_?)dup

Genes: FBF1 (Fas binding factor 1; minus strand), GALK1 (galactokinase 1; minus strand), MRPL38 (mitochondrial ribosomal protein L38; minus strand), H3-3B (H3.3 histone B; minus strand), UNC13D (unc-13 homolog D; minus strand) and 6 more. Cytogenetic location: 17q25.1.
Variant type: Duplication.
Identifiers: ClinVar variation 3243041 (VCV003243041.1).